The following is an entry in ClinVar:

NM_013319.3(UBIAD1):c.525A>G (p.Thr175=)

Gene: UBIAD1 (UbiA prenyltransferase domain containing 1; plus strand). Cytogenetic location: 1p36.22.
Variant type: single nucleotide variant.
Coding change: c.525A>G on transcript NM_013319.3 (MANE Select); coding-DNA position 525, A replaced by G.
Protein change: p.Thr175=; no amino-acid change (threonine 175 retained).
Molecular consequence: synonymous variant.
Genome position (GRCh38, 1-based): chr1:11,274,056, A>G. VCF-style: chr1-11274056-A-G. GRCh37 (hg19) VCF-style: chr1-11334113-A-G.
Other names: c.525A>G, p.Thr175= (NM_001330349.2, NM_001330350.2).
Identifiers: ClinVar variation 4681801 (VCV004681801.5).

ClinVar aggregate classification (germline): Likely benign (1 of 4 stars; one submission).

Submission:

CeGaT Center for Human Genetics Tuebingen
Classification: Likely benign. Last evaluated: 2025-11-01. Review status: criteria provided, single submitter. Criteria: CeGaT Center For Human Genetics Tuebingen Variant Classification Criteria Version 2. Collection method: clinical testing. Allele origin: germline. Affected: yes. Observed: 1 variant allele.
Comment: UBIAD1: PM2:Supporting, BP4, BP7